The following is an entry in ClinVar:

NM_005391.5(PDK3):c.321-3C>T

Gene: PDK3 (pyruvate dehydrogenase kinase 3; plus strand). Cytogenetic location: Xp22.11.
Variant type: single nucleotide variant.
Coding change: c.321-3C>T on transcript NM_005391.5 (MANE Select); 3 bases into the intron before coding-DNA position 321, C replaced by T.
Molecular consequence: intron variant.
Genome position (GRCh38, 1-based): chrX:24,503,324, C>T. VCF-style: chrX-24503324-C-T. GRCh37 (hg19) VCF-style: chrX-24521441-C-T.
Other names: c.321-3C>T (NM_001142386.3).
Identifiers: ClinVar variation 2097049 (VCV002097049.4), dbSNP rs2518579474, ClinGen allele CA2580100509.

ClinVar aggregate classification (germline): Uncertain significance (1 of 4 stars; one submission).

Conditions:
Charcot-Marie-Tooth disease X-linked dominant 6. Also called: CHARCOT-MARIE-TOOTH NEUROPATHY, X-LINKED DOMINANT, 6. Identifiers: Orphanet 352675, MedGen C3806702, MONDO:0010479, OMIM 300905.

Submission:

Labcorp Genetics (formerly Invitae), Labcorp
Classification: Uncertain significance for Charcot-Marie-Tooth disease X-linked dominant 6. Last evaluated: 2022-02-12. Review status: criteria provided, single submitter. Criteria: Invitae Variant Classification Sherloc (09022015). Collection method: clinical testing. Allele origin: germline.
Comment: In summary, the available evidence is currently insufficient to determine the role of this variant in disease. Therefore, it has been classified as a Variant of Uncertain Significance. Variants that disrupt the consensus splice site are a relatively common cause of aberrant splicing (PMID: 17576681, 9536098). Algorithms developed to predict the effect of sequence changes on RNA splicing suggest that this variant is not likely to affect RNA splicing. This variant has not been reported in the literature in individuals affected with PDK3-related conditions. This variant is not present in population databases (gnomAD no frequency). This sequence change falls in intron 3 of the PDK3 gene. It does not directly change the encoded amino acid sequence of the PDK3 protein. It affects a nucleotide within the consensus splice site.

Literature cited by the submitters: PubMed 17576681; PubMed 9536098.